The following is an entry in ClinVar:

NM_000215.4(JAK3):c.2285A>G (p.Tyr762Cys)

Gene: JAK3 (Janus kinase 3; minus strand). Cytogenetic location: 19p13.11.
Variant type: single nucleotide variant.
Coding change: c.2285A>G on transcript NM_000215.4 (MANE Select); coding-DNA position 2285, A replaced by G.
Protein change: p.Tyr762Cys; replaces tyrosine 762 with cysteine.
Molecular consequence: missense variant.
Genome position (GRCh38, 1-based): chr19:17,834,636, T>C on the plus strand (A>G on the coding strand, the complement: JAK3 is on the minus strand). VCF-style: chr19-17834636-T-C. GRCh37 (hg19) VCF-style: chr19-17945445-T-C.
Other names: short protein forms Y762C.
Identifiers: ClinVar variation 3366594 (VCV003366594.1).
Genomic context (GRCh38, chr19:17,834,636, plus strand): 5'-GAGATGAGGCTATTGAGGTCACGAATGACGGCTCGGAAGGAGGGCCTCTGGACCGGCTCA[T>C]AGGCCATGCACTGTTGAATCAGCAGGGCCAGCTCTGTCCACTTGGGGGCCGGCAGCTGCT-3'
Protein context (NP_000206.2, residues 752-772): LALLIQQCMA[Tyr762Cys]EPVQRPSFRA

ClinVar aggregate classification (germline): Uncertain significance (1 of 4 stars; one submission).

gnomAD v4.1: 12 of 1,604,230 alleles (0.00075%); highest among the groups gnomAD compares: Non-Finnish European, 0.00094%; no homozygotes.

Submission:

Women's Health and Genetics/Laboratory Corporation of America, LabCorp
Classification: Uncertain significance. Last evaluated: 2024-08-26. Review status: criteria provided, single submitter. Criteria: LabCorp Variant Classification Summary - May 2015. Collection method: clinical testing. Allele origin: germline.
Comment: Variant summary: JAK3 c.2285A>G (p.Tyr762Cys) results in a non-conservative amino acid change located in the Protein kinase domain (IPR000719) of the encoded protein sequence. Five of five in-silico tools predict a damaging effect of the variant on protein function. The variant allele was found at a frequency of 3.2e-05 in 251356 control chromosomes. The available data on variant occurrences in the general population are insufficient to allow any conclusion about variant significance. c.2285A>G has been reported in the literature in at least one individual from a rare disease patient cohort with a second likely pathogenic JAK3 variant in trans (e.g., Stranneheim_2021); authors indicated this case received a positive molecular diagnosis. These data do not allow any conclusion about variant significance. To our knowledge, no experimental evidence demonstrating an impact on protein function has been reported. The following publication was ascertained in the context of this evaluation (PMID: 33726816). No submitters have cited clinical-significance assessments for this variant to ClinVar. Based on the evidence outlined above, the variant was classified as uncertain significance.

Literature cited by the submitters: PubMed 33726816.